The following is an entry in ClinVar:

NM_003072.5(SMARCA4):c.4424+4A>G

Gene: SMARCA4 (SWI/SNF related BAF chromatin remodeling complex subunit ATPase 4; plus strand). Cytogenetic location: 19p13.2.
Variant type: single nucleotide variant.
Coding change: c.4424+4A>G on transcript NM_003072.5 (MANE Select); 4 bases into the intron after coding-DNA position 4424, A replaced by G.
Molecular consequence: intron variant.
Genome position (GRCh38, 1-based): chr19:11,041,564, A>G. VCF-style: chr19-11041564-A-G. GRCh37 (hg19) VCF-style: chr19-11152240-A-G.
Other names: c.4424+4A>G (NM_001128844.3); c.4520+4A>G (NM_001128849.3, NM_001387283.1); c.4325+4A>G (NM_001128847.4, NM_001374457.1, NM_001128848.2); c.4334+4A>G (NM_001128845.2, NM_001128846.2).
Identifiers: ClinVar variation 1431262 (VCV001431262.8), dbSNP rs2146823944, ClinGen allele CA2573155666.

ClinVar aggregate classification (germline): Uncertain significance. Review status: criteria provided, multiple submitters, no conflicts (2 of 4 stars). 2 submissions from 2 submitters: Uncertain significance (2). Last evaluated 2022-10-05.

Conditions:
Hereditary cancer-predisposing syndrome. Also called: Hereditary Cancer Syndrome; Hereditary neoplastic syndrome; Neoplastic Syndromes, Hereditary; Tumor predisposition. Identifiers: Orphanet 140162, MedGen C0027672, MeSH D009386, MONDO:0015356.
Rhabdoid tumor predisposition syndrome 2 (RTPS2). Identifiers: Orphanet 231108, Orphanet 69077, MedGen C2750074, MONDO:0013224, OMIM 613325.

Submissions (2):

Labcorp Genetics (formerly Invitae), Labcorp
Classification: Uncertain significance for Rhabdoid tumor predisposition syndrome 2. Last evaluated: 2022-10-05. Review status: criteria provided, single submitter. Criteria: Invitae Variant Classification Sherloc (09022015). Collection method: clinical testing. Allele origin: germline.
Comment: This sequence change falls in intron 31 of the SMARCA4 gene. It does not directly change the encoded amino acid sequence of the SMARCA4 protein. It affects a nucleotide within the consensus splice site. In summary, the available evidence is currently insufficient to determine the role of this variant in disease. Therefore, it has been classified as a Variant of Uncertain Significance. Variants that disrupt the consensus splice site are a relatively common cause of aberrant splicing (PMID: 17576681, 9536098). Algorithms developed to predict the effect of sequence changes on RNA splicing suggest that this variant is not likely to affect RNA splicing. ClinVar contains an entry for this variant (Variation ID: 1431262). This variant has not been reported in the literature in individuals affected with SMARCA4-related conditions. This variant is not present in population databases (gnomAD no frequency).

Ambry Genetics
Classification: Uncertain significance for Hereditary cancer-predisposing syndrome. Last evaluated: 2022-05-04. Review status: criteria provided, single submitter. Criteria: Ambry Variant Classification Scheme 2023. Collection method: clinical testing. Allele origin: germline.
Comment: The c.4520+4A>G intronic variant results from an A to G substitution 4 nucleotides after coding exon 30 in the SMARCA4 gene. This nucleotide position is not well conserved in available vertebrate species. In silico splice site analysis predicts that this alteration will not have any significant effect on splicing. Since supporting evidence is limited at this time, the clinical significance of this alteration remains unclear.

Literature cited by the submitters: PubMed 17576681 (cited by Labcorp Genetics (formerly Invitae), Labcorp); PubMed 9536098 (cited by Labcorp Genetics (formerly Invitae), Labcorp).